The following is an entry in ClinVar:

ClinVar aggregate classification (germline): Likely benign. Review status: criteria provided, multiple submitters, no conflicts (2 of 4 stars). 3 submissions from 3 submitters: Likely benign (3). Last evaluated 2025-10-08.

Conditions:
EYS-related disorder. Also called: EYS-related condition.

Allele frequency attached by ClinVar (database versions not stated): ExAC 0.00001; gnomAD exomes 0.00002; gnomAD 0.00004 and 0.00005; ESP Exome Variant Server 0.00008; TOPMed 0.00008; 1000 Genomes Project 30x 0.00016; 1000 Genomes Project 0.00020.
gnomAD v4.1: 39 of 1,317,804 alleles (0.003%); highest among the groups gnomAD compares: African/African-American, 0.016%; no homozygotes.

Submissions (3):

PreventionGenetics, part of Exact Sciences
Classification: Likely benign for EYS-related condition. Last evaluated: 2025-10-08. Review status: criteria provided, single submitter. Criteria: ACMG Guidelines, 2015. Collection method: clinical testing. Allele origin: germline.
Comment: This variant is classified as likely benign based on ACMG/AMP sequence variant interpretation guidelines (Richards et al. 2015 PMID: 25741868, with internal and published modifications).

Labcorp Genetics (formerly Invitae), Labcorp
Classification: Likely benign. Last evaluated: 2025-02-16. Review status: criteria provided, single submitter. Criteria: Invitae Variant Classification Sherloc (09022015). Collection method: clinical testing. Allele origin: germline.

Blueprint Genetics
Classification: Likely benign. Last evaluated: 2022-09-13. Review status: criteria provided, single submitter. Criteria: ACMG Guidelines, 2015. Collection method: clinical testing. Allele origin: germline.

NM_001142800.2(EYS):c.1185-9T>C

Gene: EYS (EGF-like photoreceptor maintenance factor; minus strand). Cytogenetic location: 6q12.
Variant type: single nucleotide variant.
Coding change: c.1185-9T>C on transcript NM_001142800.2 (MANE Select); 9 bases into the intron before coding-DNA position 1185, T replaced by C.
Molecular consequence: intron variant.
Genome position (GRCh38, 1-based): chr6:65,384,509, A>G on the plus strand (T>C on the coding strand, the complement: EYS is on the minus strand). VCF-style: chr6-65384509-A-G. GRCh37 (hg19) VCF-style: chr6-66094402-A-G.
Other names: c.1185-9T>C (NM_001292009.2, NM_001142801.2, NM_198283.2 and 1 more transcripts).
Identifiers: ClinVar variation 1105047 (VCV001105047.11), dbSNP rs369985110, ClinGen allele CA3877827.